The following is an entry in ClinVar:

NM_000393.5(COL5A2):c.1102A>G (p.Met368Val)

Gene: COL5A2 (collagen type V alpha 2 chain; minus strand). Cytogenetic location: 2q32.2.
Variant type: single nucleotide variant.
Coding change: c.1102A>G on transcript NM_000393.5 (MANE Select); coding-DNA position 1102, A replaced by G.
Protein change: p.Met368Val; replaces methionine 368 with valine.
Molecular consequence: missense variant.
Genome position (GRCh38, 1-based): chr2:189,075,395, T>C on the plus strand (A>G on the coding strand, the complement: COL5A2 is on the minus strand). VCF-style: chr2-189075395-T-C. GRCh37 (hg19) VCF-style: chr2-189940121-T-C.
Other names: short protein forms M368V.
Identifiers: ClinVar variation 2446558 (VCV002446558.1), dbSNP rs776312058, ClinGen allele CA2022821.

ClinVar aggregate classification (germline): Uncertain significance (1 of 4 stars; one submission).

Allele frequency attached by ClinVar (database versions not stated): gnomAD exomes below 0.00001; gnomAD 0.00001; ExAC 0.00002.
gnomAD v4.1: 6 of 1,595,826 alleles (0.00038%); highest among the groups gnomAD compares: South Asian, 0.0011%; no homozygotes.

Submission:

GeneDx
Classification: Uncertain significance. Last evaluated: 2022-09-30. Review status: criteria provided, single submitter. Criteria: GeneDx Variant Classification Process June 2021. Collection method: clinical testing. Allele origin: germline. Affected: yes.
Comment: Has not been previously published as pathogenic or benign to our knowledge; Not observed at significant frequency in large population cohorts (gnomAD); In silico analysis supports that this missense variant does not alter protein structure/function